The following is an entry in ClinVar:

NM_004525.3(LRP2):c.7926T>G (p.Thr2642=)

Gene: LRP2 (LDL receptor related protein 2; minus strand). Cytogenetic location: 2q31.1.
Variant type: single nucleotide variant.
Coding change: c.7926T>G on transcript NM_004525.3 (MANE Select); coding-DNA position 7926, T replaced by G.
Protein change: p.Thr2642=; no amino-acid change (threonine 2642 retained).
Molecular consequence: synonymous variant.
Genome position (GRCh38, 1-based): chr2:169,204,061, A>C on the plus strand (T>G on the coding strand, the complement: LRP2 is on the minus strand). VCF-style: chr2-169204061-A-C. GRCh37 (hg19) VCF-style: chr2-170060571-A-C.
Other names: c.7926T>G (NM_004525.2).
Identifiers: ClinVar variation 1667823 (VCV001667823.12), dbSNP rs138903794, ClinGen allele CA1953979.

ClinVar aggregate classification (germline): Likely benign. Review status: criteria provided, multiple submitters, no conflicts (2 of 4 stars). 4 submissions from 4 submitters: Likely benign (3). 1 of the submissions does not count toward it. Last evaluated 2025-12-31.

Conditions:
Donnai-Barrow syndrome. Also called: DBS/FOAR SYNDROME; FACIOOCULOACOUSTICORENAL SYNDROME. Identifiers: Orphanet 2143, MedGen C1857277, MONDO:0009104, OMIM 222448.
LRP2-related disorder. Also called: LRP2-related condition.

Allele frequency attached by ClinVar (database versions not stated): ExAC 0.00016; 1000 Genomes Project 0.00040; 1000 Genomes Project 30x 0.00047; gnomAD 0.00057 and 0.00063; ESP Exome Variant Server 0.00062; TOPMed 0.00066.
gnomAD v4.1: 163 of 1,614,208 alleles (0.01%); highest among the groups gnomAD compares: African/African-American, 0.2%; no homozygotes.

Submissions (4):

Labcorp Genetics (formerly Invitae), Labcorp
Classification: Likely benign. Last evaluated: 2025-12-31. Review status: criteria provided, single submitter. Criteria: Invitae Variant Classification Sherloc (09022015). Collection method: clinical testing. Allele origin: germline.

Blueprint Genetics
Classification: Likely benign. Last evaluated: 2024-03-01. Review status: criteria provided, single submitter. Criteria: ACMG Guidelines, 2015. Collection method: clinical testing. Allele origin: germline.

Fulgent Genetics
Classification: Likely benign for Donnai-Barrow syndrome. Last evaluated: 2021-07-29. Review status: criteria provided, single submitter. Criteria: ACMG Guidelines, 2015. Collection method: clinical testing. Allele origin: unknown.

PreventionGenetics, part of Exact Sciences
Classification: Likely benign for LRP2-related condition. Last evaluated: 2024-01-02. Review status: no assertion criteria provided. Collection method: clinical testing. Allele origin: germline. Not counted in ClinVar's aggregate classification.
Comment: This variant is classified as likely benign based on ACMG/AMP sequence variant interpretation guidelines (Richards et al. 2015 PMID: 25741868, with internal and published modifications).